The following is an entry in ClinVar:

ClinVar aggregate classification (germline): Pathogenic (1 of 4 stars; one submission).

Conditions:
Charcot-Marie-Tooth disease type 2. Also called: Charcot-Marie-Tooth type 2. Identifiers: Orphanet 64746, MedGen C0270914, MONDO:0018993.

Submission:

Labcorp Genetics (formerly Invitae), Labcorp
Classification: Pathogenic for Charcot-Marie-Tooth disease type 2. Last evaluated: 2023-06-15. Review status: criteria provided, single submitter. Criteria: Invitae Variant Classification Sherloc (09022015). Collection method: clinical testing. Allele origin: germline.
Comment: This variant has not been reported in the literature in individuals affected with LMNA-related conditions. This variant is not present in population databases (gnomAD no frequency). This sequence change creates a premature translational stop signal (p.Glu372Glyfs*117) in the LMNA gene. It is expected to result in an absent or disrupted protein product. Loss-of-function variants in LMNA are known to be pathogenic (PMID: 18585512, 18926329). For these reasons, this variant has been classified as Pathogenic.

Literature cited by the submitters: PubMed 18585512; PubMed 18926329.

NM_170707.4(LMNA):c.1089_1114dup (p.Glu372fs)

Gene: LMNA (lamin A/C; plus strand). Cytogenetic location: 1q22.
Variant type: Duplication.
Coding change: c.1089_1114dup on transcript NM_170707.4 (MANE Select); coding-DNA positions 1089 to 1114, 26 bases duplicated (GGACATCAAGCTGGCCCTGGACATGG).
Protein change: p.Glu372fs; shifts the reading frame from glutamic acid 372.
Molecular consequence: frameshift variant.
Genome position (GRCh38, 1-based): chr1:156,136,053-156,136,078, GGACATCAAGCTGGCCCTGGACATGG duplicated. VCF-style (leftmost placement, unchanged base first): chr1-156136052-T-TGGACATCAAGCTGGCCCTGGACATGG. GRCh37 (hg19) VCF-style: chr1-156105843-T-TGGACATCAAGCTGGCCCTGGACATGG.
Other names: c.1089_1114dup, p.Glu372fs (NM_005572.4, NM_170708.4, NM_001282625.2 and 6 more transcripts); c.753_778dup, p.Glu260fs (NM_001257374.3, NM_001406989.1, NM_001406998.1); c.846_871dup, p.Glu291fs (NM_001282624.2, NM_001406986.1, NM_001406987.1); c.792_817dup, p.Glu273fs (NM_001406988.1); c.531_556dup, p.Glu186fs (NM_001406990.1, NM_001406993.1, NM_001406995.1 and 4 more transcripts); c.465_490dup, p.Glu164fs (NM_001406994.1, NM_001406999.1, NM_001407000.1 and 1 more transcripts); short protein forms E164fs, E273fs, E186fs, E260fs, E372fs, E291fs.
Identifiers: ClinVar variation 2852181 (VCV002852181.3), dbSNP rs2527992407, ClinGen allele CA2739275317.